The following is an entry in ClinVar:

ClinVar aggregate classification (germline): Uncertain significance (1 of 4 stars; one submission).

Conditions:
Multiple endocrine neoplasia, type 1 (MEN1). Also called: Endocrine adenomatosis multiple; MEN 1; MEA I; MEN I; WERMER SYNDROME. Identifiers: Orphanet 652, MedGen C0025267, MeSH D018761, MONDO:0007540, OMIM 131100.

Submission:

Labcorp Genetics (formerly Invitae), Labcorp
Classification: Uncertain significance for Multiple endocrine neoplasia, type 1. Last evaluated: 2023-01-22. Review status: criteria provided, single submitter. Criteria: Invitae Variant Classification Sherloc (09022015). Collection method: clinical testing. Allele origin: germline.
Comment: In summary, the available evidence is currently insufficient to determine the role of this variant in disease. Therefore, it has been classified as a Variant of Uncertain Significance. Advanced modeling of protein sequence and biophysical properties (such as structural, functional, and spatial information, amino acid conservation, physicochemical variation, residue mobility, and thermodynamic stability) performed at Invitae indicates that this missense variant is not expected to disrupt MEN1 protein function. ClinVar contains an entry for this variant (Variation ID: 651068). This variant has not been reported in the literature in individuals affected with MEN1-related conditions. This variant is not present in population databases (gnomAD no frequency). This sequence change replaces glutamine, which is neutral and polar, with histidine, which is basic and polar, at codon 398 of the MEN1 protein (p.Gln398His).

NM_001370259.2(MEN1):c.1194G>C (p.Gln398His)

Gene: MEN1 (menin 1; minus strand). Cytogenetic location: 11q13.1.
Variant type: single nucleotide variant.
Coding change: c.1194G>C on transcript NM_001370259.2 (MANE Select); coding-DNA position 1194, G replaced by C.
Protein change: p.Gln398His; replaces glutamine 398 with histidine.
Molecular consequence: missense variant.
Genome position (GRCh38, 1-based): chr11:64,805,190, C>G on the plus strand (G>C on the coding strand, the complement: MEN1 is on the minus strand). VCF-style: chr11-64805190-C-G. GRCh37 (hg19) VCF-style: chr11-64572662-C-G.
Other names: c.1209G>C, p.Gln403His (NM_000244.4, NM_130800.3, NM_130801.3 and 3 more transcripts); c.1320G>C, p.Gln440His (NM_001370251.2); c.1089G>C, p.Gln363His (NM_001370263.2, NM_001370262.2); c.1194G>C, p.Gln398His (NM_130799.3, NM_001370260.2, NM_001370261.2); short protein forms Q363H, Q403H, Q398H, Q440H.
Identifiers: ClinVar variation 651068 (VCV000651068.10), dbSNP rs1592637824, ClinGen allele CA381180793.
Genomic context (GRCh38, chr11:64,805,190, plus strand): 5'-GTCGTAGAATCGCAGCAGGTGGGCGAAGCACTCAGGGTCCTGGAGGGCGGAACCTTGGCT[C>G]TGGGTGCCCTGGACGAGGGGGAAGGGAGGGCACAGATCAGTCTCTTACTCACCCCTTAGC-3'
Protein context (NP_001357188.2, residues 388-408): ERPGEQSQGT[Gln398His]SQGSALQDPE